The following is an entry in ClinVar:

NM_053025.4(MYLK):c.3089A>G (p.Lys1030Arg)

Gene: MYLK (myosin light chain kinase; minus strand). Cytogenetic location: 3q21.1.
Variant type: single nucleotide variant.
Coding change: c.3089A>G on transcript NM_053025.4 (MANE Select); coding-DNA position 3089, A replaced by G.
Protein change: p.Lys1030Arg; replaces lysine 1030 with arginine.
Molecular consequence: missense variant.
Genome position (GRCh38, 1-based): chr3:123,700,379, T>C on the plus strand (A>G on the coding strand, the complement: MYLK is on the minus strand). VCF-style: chr3-123700379-T-C. GRCh37 (hg19) VCF-style: chr3-123419226-T-C.
Other names: c.2561A>G, p.Lys854Arg (NM_001321309.2); c.2882A>G, p.Lys961Arg (NM_053026.4, NM_053028.4); c.3089A>G, p.Lys1030Arg (NM_053027.4); short protein forms K1030R, K854R, K961R.
Identifiers: ClinVar variation 2990257 (VCV002990257.3), dbSNP rs1420060387, ClinGen allele CA354230084.
Genomic context (GRCh38, chr3:123,700,379, plus strand): 5'-ATGGGCTTCAGGGTCTCGGCAGGCTTGGCGTTGCCCATTGGCTTCAGGGTCTCAGCAGGC[T>C]TGGCGTTGCCCACGGGTTTCAAGGGCCCTGAAGGCTGTGCATTGCTCAGGGGCTTGGAAC-3'
Protein context (NP_444253.3, residues 1020-1040): SGPLKPVGNA[Lys1030Arg]PAETLKPMGN

ClinVar aggregate classification (germline): Uncertain significance (1 of 4 stars; one submission).

Conditions:
Aortic aneurysm, familial thoracic 7 (AAT7). Also called: AORTIC DISSECTION, FAMILIAL, WITH OR WITHOUT AORTIC ANEURYSM. Identifiers: MedGen C3151077, MONDO:0013418, OMIM 613780.

Allele frequency attached by ClinVar (database versions not stated): gnomAD exomes below 0.00001; TOPMed below 0.00001.
gnomAD v4.1: 1 of 1,613,918 alleles (0.000062%); highest among the groups gnomAD compares: Non-Finnish European, 0.000085%; no homozygotes.

Submission:

Labcorp Genetics (formerly Invitae), Labcorp
Classification: Uncertain significance for Aortic aneurysm, familial thoracic 7. Last evaluated: 2023-12-27. Review status: criteria provided, single submitter. Criteria: Invitae Variant Classification Sherloc (09022015). Collection method: clinical testing. Allele origin: germline.
Comment: This sequence change replaces lysine, which is basic and polar, with arginine, which is basic and polar, at codon 1030 of the MYLK protein (p.Lys1030Arg). This variant is present in population databases (no rsID available, gnomAD 0.0009%). This variant has not been reported in the literature in individuals affected with MYLK-related conditions. Advanced modeling of protein sequence and biophysical properties (such as structural, functional, and spatial information, amino acid conservation, physicochemical variation, residue mobility, and thermodynamic stability) performed at Invitae indicates that this missense variant is not expected to disrupt MYLK protein function with a negative predictive value of 80%. In summary, the available evidence is currently insufficient to determine the role of this variant in disease. Therefore, it has been classified as a Variant of Uncertain Significance.